The following is an entry in ClinVar:

NM_020713.3(ZNF512B):c.862G>A (p.Val288Met)

Gene: ZNF512B (zinc finger protein 512B; minus strand). Cytogenetic location: 20q13.33.
Variant type: single nucleotide variant.
Coding change: c.862G>A on transcript NM_020713.3 (MANE Select); coding-DNA position 862, G replaced by A.
Protein change: p.Val288Met; replaces valine 288 with methionine.
Molecular consequence: missense variant.
Genome position (GRCh38, 1-based): chr20:63,966,313, C>T on the plus strand (G>A on the coding strand, the complement: ZNF512B is on the minus strand). VCF-style: chr20-63966313-C-T. GRCh37 (hg19) VCF-style: chr20-62597666-C-T.
Other names: short protein forms V288M.
Identifiers: ClinVar variation 3059862 (VCV003059862.2), dbSNP rs45486695, ClinGen allele CA9971314.

ClinVar aggregate classification (germline): Benign (0 of 4 stars; one submission).

Conditions:
ZNF512B-related disorder. Also called: ZNF512B-related condition.

Allele frequency attached by ClinVar (database versions not stated): 1000 Genomes Project 0.07368; 1000 Genomes Project 30x 0.07402; TOPMed 0.12730; ESP Exome Variant Server 0.14109; gnomAD 0.14109; ExAC 0.16000; gnomAD exomes 0.19205.
gnomAD v4.1: 298,403 of 1,603,632 alleles (19%); highest among the groups gnomAD compares: Non-Finnish European, 21%; 30,266 homozygotes.

Submission:

PreventionGenetics, part of Exact Sciences
Classification: Benign for ZNF512B-related condition. Last evaluated: 2019-10-22. Review status: no assertion criteria provided. Collection method: clinical testing. Allele origin: germline.
Comment: This variant is classified as benign based on ACMG/AMP sequence variant interpretation guidelines (Richards et al. 2015 PMID: 25741868, with internal and published modifications).